The following is an entry in ClinVar:

NM_001739.2(CA5A):c.636G>A (p.Met212Ile)

Gene: CA5A (carbonic anhydrase 5A; minus strand). Cytogenetic location: 16q24.2.
Variant type: single nucleotide variant.
Coding change: c.636G>A on transcript NM_001739.2 (MANE Select); coding-DNA position 636, G replaced by A.
Protein change: p.Met212Ile; replaces methionine 212 with isoleucine.
Molecular consequence: missense variant. On other transcripts: non-coding transcript variant (2).
Genome position (GRCh38, 1-based): chr16:87,891,937, C>T on the plus strand (G>A on the coding strand, the complement: CA5A is on the minus strand). VCF-style: chr16-87891937-C-T. GRCh37 (hg19) VCF-style: chr16-87925543-C-T.
Other names: c.636G>A, p.Met212Ile (NM_001367225.1); short protein forms M212I.
Identifiers: ClinVar variation 2063660 (VCV002063660.4), dbSNP rs1300402517, ClinGen allele CA397040018.

ClinVar aggregate classification (germline): Uncertain significance (1 of 4 stars; one submission).

Conditions:
Hyperammonemic encephalopathy due to carbonic anhydrase VA deficiency. Also called: Carbonic Anhydrase VA Deficiency; Carbonic anhydrase VA deficiency, hyperammonemia due to. Identifiers: Orphanet 401948, MedGen C4706871, MONDO:0014332, OMIM 615751.

Submission:

Labcorp Genetics (formerly Invitae), Labcorp
Classification: Uncertain significance for Hyperammonemic encephalopathy due to carbonic anhydrase VA deficiency. Last evaluated: 2024-08-13. Review status: criteria provided, single submitter. Criteria: Invitae Variant Classification Sherloc (09022015). Collection method: clinical testing. Allele origin: germline.
Comment: This sequence change replaces methionine, which is neutral and non-polar, with isoleucine, which is neutral and non-polar, at codon 212 of the CA5A protein (p.Met212Ile). The frequency data for this variant in the population databases is considered unreliable, as metrics indicate poor data quality at this position in the gnomAD database. This variant has not been reported in the literature in individuals affected with CA5A-related conditions. ClinVar contains an entry for this variant (Variation ID: 2063660). Advanced modeling of protein sequence and biophysical properties (such as structural, functional, and spatial information, amino acid conservation, physicochemical variation, residue mobility, and thermodynamic stability) performed at Invitae indicates that this missense variant is not expected to disrupt CA5A protein function with a negative predictive value of 80%. In summary, the available evidence is currently insufficient to determine the role of this variant in disease. Therefore, it has been classified as a Variant of Uncertain Significance.